The following is an entry in ClinVar:

NM_020320.5(RARS2):c.*110G>A

Gene: RARS2 (arginyl-tRNA synthetase 2, mitochondrial; minus strand). Cytogenetic location: 6q15.
Variant type: single nucleotide variant.
Coding change: c.*110G>A on transcript NM_020320.5 (MANE Select); 110 bases downstream of the stop codon, G replaced by A.
Molecular consequence: 3 prime UTR variant. On other transcripts: synonymous variant (2), non-coding transcript variant (23).
Genome position (GRCh38, 1-based): chr6:87,514,303, C>T on the plus strand (G>A on the coding strand, the complement: RARS2 is on the minus strand). VCF-style: chr6-87514303-C-T. GRCh37 (hg19) VCF-style: chr6-88224021-C-T.
Other names: c.*110G>A (NM_001318785.2, NM_001350507.2, NM_001350508.2 and 3 more transcripts); c.1728G>A, p.Glu576= (NM_001350505.2); c.1203G>A, p.Glu401= (NM_001350506.2).
Identifiers: ClinVar variation 3770781 (VCV003770781.13).

ClinVar aggregate classification (germline): Likely benign (1 of 4 stars; one submission).

gnomAD v4.1: 634 of 674,710 alleles (0.094%); highest among the groups gnomAD compares: Non-Finnish European, 0.14%; no homozygotes.

Submission:

CeGaT Center for Human Genetics Tuebingen
Classification: Likely benign. Last evaluated: 2024-12-01. Review status: criteria provided, single submitter. Criteria: CeGaT Center For Human Genetics Tuebingen Variant Classification Criteria Version 2. Collection method: clinical testing. Allele origin: germline. Affected: yes. Observed: 1 variant allele.
Comment: RARS2: BP4, BP7